The following is an entry in ClinVar:

NM_001271.4(CHD2):c.5332C>T (p.Pro1778Ser)

Gene: CHD2 (chromodomain helicase DNA binding protein 2; plus strand). Cytogenetic location: 15q26.1.
Variant type: single nucleotide variant.
Coding change: c.5332C>T on transcript NM_001271.4 (MANE Select); coding-DNA position 5332, C replaced by T.
Protein change: p.Pro1778Ser; replaces proline 1778 with serine.
Molecular consequence: missense variant.
Genome position (GRCh38, 1-based): chr15:93,024,550, C>T. VCF-style: chr15-93024550-C-T. GRCh37 (hg19) VCF-style: chr15-93567780-C-T.
Other names: short protein forms P1778S.
Identifiers: ClinVar variation 2984568 (VCV002984568.3), dbSNP rs2054570418, ClinGen allele CA393908566.

ClinVar aggregate classification (germline): Uncertain significance (1 of 4 stars; one submission).

Conditions:
Developmental and epileptic encephalopathy 94 (DEE94). Also called: Epileptic encephalopathy, childhood-onset; CHD2-Related Neurodevelopmental Disorders. Identifiers: Orphanet 1942, Orphanet 2382, MedGen C3809278, MONDO:0014150, OMIM 615369.

Allele frequency attached by ClinVar (database versions not stated): gnomAD exomes below 0.00001; TOPMed below 0.00001.
gnomAD v4.1: 1 of 1,614,220 alleles (0.000062%); highest among the groups gnomAD compares: South Asian, 0.0011%; no homozygotes.

Submission:

Labcorp Genetics (formerly Invitae), Labcorp
Classification: Uncertain significance for Developmental and epileptic encephalopathy 94. Last evaluated: 2025-10-29. Review status: criteria provided, single submitter. Criteria: Invitae Variant Classification Sherloc (09022015). Collection method: clinical testing. Allele origin: germline.
Comment: This sequence change replaces proline, which is neutral and non-polar, with serine, which is neutral and polar, at codon 1778 of the CHD2 protein (p.Pro1778Ser). This variant is not present in population databases (gnomAD no frequency). This variant has not been reported in the literature in individuals affected with CHD2-related conditions. ClinVar contains an entry for this variant (Variation ID: 2984568). Invitae Evidence Modeling of protein sequence and biophysical properties (such as structural, functional, and spatial information, amino acid conservation, physicochemical variation, residue mobility, and thermodynamic stability) indicates that this missense variant is not expected to disrupt CHD2 protein function with a negative predictive value of 95%. In summary, the available evidence is currently insufficient to determine the role of this variant in disease. Therefore, it has been classified as a Variant of Uncertain Significance.